The following is an entry in ClinVar:

ClinVar aggregate classification (germline): Pathogenic. Review status: criteria provided, multiple submitters, no conflicts (2 of 4 stars). 2 submissions from 2 submitters: Pathogenic (2). Last evaluated 2026-03-19.

Conditions:
Mitochondrial DNA depletion syndrome 1. Also called: Mitochondrial DNA Depletion Syndrome, MNGIE Form; Mitochondrial neurogastrointestinal encephalomyopathy syndrome; POLIP SYNDROME; POLYNEUROPATHY, OPHTHALMOPLEGIA, LEUKOENCEPHALOPATHY, AND INTESTINAL PSEUDOOBSTRUCTION; Mitochondrial Neurogastrointestinal Encephalopathy Disease; MITOCHONDRIAL NEUROGASTROINTESTINAL ENCEPHALOPATHY SYNDROME, TYMP-RELATED. Identifiers: Orphanet 298, MedGen C4551995, MONDO:0011283, OMIM 603041.

Submissions (2):

Myriad Genetics, Inc.
Classification: Pathogenic for Mitochondrial DNA depletion syndrome 1. Last evaluated: 2026-03-19. Review status: criteria provided, single submitter. Criteria: Myriad Autosomal Dominant, Autosomal Recessive and X-Linked Classification Criteria (2023). Collection method: clinical testing. Allele origin: unknown.
Comment: NM_001953.4(TYMP):c.52_53delTT(F18Lfs*105) is expected to be pathogenic in the context of mitochondrial neurogastrointestinal encephalopathy disease. This variant is predicted to lead to an abnormal or absent protein product due to the creation of a premature termination codon in TYMP, a gene where loss-of-function variants are known to be pathogenic. Please note: this variant was assessed in the context of healthy population screening.

Labcorp Genetics (formerly Invitae), Labcorp
Classification: Pathogenic. Last evaluated: 2022-02-17. Review status: criteria provided, single submitter. Criteria: Invitae Variant Classification Sherloc (09022015). Collection method: clinical testing. Allele origin: germline.
Comment: This variant is also known as 2-bp del in E2. Algorithms developed to predict the effect of sequence changes on RNA splicing suggest that this variant is not likely to affect RNA splicing. For these reasons, this variant has been classified as Pathogenic. This premature translational stop signal has been observed in individual(s) with mitochondrial neurogastrointestinal encephalomyopathy (PMID: 10852545, 19748572). This sequence change creates a premature translational stop signal (p.Phe18Leufs*105) in the TYMP gene. It is expected to result in an absent or disrupted protein product. Loss-of-function variants in TYMP are known to be pathogenic (PMID: 9924029, 15781193). This variant is not present in population databases (gnomAD no frequency).

Literature cited by the submitters: PubMed 10852545 (cited by Labcorp Genetics (formerly Invitae), Labcorp); PubMed 19748572 (cited by Labcorp Genetics (formerly Invitae), Labcorp); PubMed 9924029 (cited by Labcorp Genetics (formerly Invitae), Labcorp); PubMed 15781193 (cited by Labcorp Genetics (formerly Invitae), Labcorp).

NM_001953.5(TYMP):c.52_53del (p.Phe18fs)

Gene: TYMP (thymidine phosphorylase; minus strand). Cytogenetic location: 22q13.33.
Variant type: Deletion.
Coding change: c.52_53del on transcript NM_001953.5 (MANE Select); coding-DNA positions 52 to 53, 2 bases deleted (TT; older notation c.52_53delTT).
Protein change: p.Phe18fs; shifts the reading frame from phenylalanine 18.
Molecular consequence: frameshift variant.
Genome position (GRCh38, 1-based): chr22:50,529,657-50,529,658, AA deleted on the plus strand (TT on the coding strand, the reverse complement: TYMP is on the minus strand). VCF-style (leftmost placement, unchanged base first): chr22-50529656-GAA-G. GRCh37 (hg19) VCF-style: chr22-50968085-GAA-G.
Other names: c.52_53del, p.Phe18fs (NM_001113755.3, NM_001113756.3, NM_001257988.1 and 1 more transcripts); short protein forms F18fs.
Identifiers: ClinVar variation 2064836 (VCV002064836.5), dbSNP rs2522551905, ClinGen allele CA2580100051.